The following is an entry in ClinVar:

ClinVar aggregate classification (germline): Uncertain significance (1 of 4 stars; one submission).

Submission:

Women's Health and Genetics/Laboratory Corporation of America, LabCorp
Classification: Uncertain significance. Last evaluated: 2025-06-27. Review status: criteria provided, single submitter. Criteria: LabCorp Variant Classification Summary - May 2015. Collection method: clinical testing. Allele origin: germline.
Comment: Variant summary: PKD1 c.1240C>T (p.Pro414Ser) results in a non-conservative amino acid change in the encoded protein sequence. Algorithms developed to predict the effect of missense changes on protein structure and function are either unavailable or do not agree on the potential impact of this missense change. The variant was absent in 238926 control chromosomes. The available data on variant occurrences in the general population are insufficient to allow any conclusion about variant significance. To our knowledge, no occurrence of c.1240C>T in individuals affected with PKD1-related conditions and no experimental evidence demonstrating its impact on protein function have been reported. No submitters have cited clinical-significance assessments for this variant to ClinVar. Based on the evidence outlined above, the variant was classified as uncertain significance.

NM_001009944.3(PKD1):c.1240C>T (p.Pro414Ser)

Gene: PKD1 (polycystin 1, transient receptor potential channel interacting; minus strand). Cytogenetic location: 16p13.3.
Variant type: single nucleotide variant.
Coding change: c.1240C>T on transcript NM_001009944.3 (MANE Select); coding-DNA position 1240, C replaced by T.
Protein change: p.Pro414Ser; replaces proline 414 with serine.
Molecular consequence: missense variant.
Genome position (GRCh38, 1-based): chr16:2,117,634, G>A on the plus strand (C>T on the coding strand, the complement: PKD1 is on the minus strand). VCF-style: chr16-2117634-G-A. GRCh37 (hg19) VCF-style: chr16-2167635-G-A.
Other names: c.1240C>T, p.Pro414Ser (NM_000296.4); short protein forms P414S.
Identifiers: ClinVar variation 3907264 (VCV003907264.1).